The following is an entry in ClinVar:

ClinVar aggregate classification (germline): Uncertain significance (1 of 4 stars; one submission).

Conditions:
Dilated cardiomyopathy 1JJ (CMD1JJ). Identifiers: Orphanet 154, MedGen C3808935, MONDO:0014095, OMIM 615235.

Submission:

Labcorp Genetics (formerly Invitae), Labcorp
Classification: Uncertain significance for Dilated cardiomyopathy 1JJ. Last evaluated: 2025-10-22. Review status: criteria provided, single submitter. Criteria: Invitae Variant Classification Sherloc (09022015). Collection method: clinical testing. Allele origin: germline.
Comment: This sequence change replaces asparagine, which is neutral and polar, with serine, which is neutral and polar, at codon 242 of the LAMA4 protein (p.Asn242Ser). This variant is not present in population databases (gnomAD no frequency). This variant has not been reported in the literature in individuals affected with LAMA4-related conditions. An algorithm developed to predict the effect of missense changes on protein structure and function outputs the following: PolyPhen-2: "Benign". The serine amino acid residue is found in multiple mammalian species, which suggests that this missense change does not adversely affect protein function. In summary, the available evidence is currently insufficient to determine the role of this variant in disease. Therefore, it has been classified as a Variant of Uncertain Significance.

NM_001105206.3(LAMA4):c.725A>G (p.Asn242Ser)

Gene: LAMA4 (laminin subunit alpha 4; minus strand). Cytogenetic location: 6q21.
Variant type: single nucleotide variant.
Coding change: c.725A>G on transcript NM_001105206.3 (MANE Select); coding-DNA position 725, A replaced by G.
Protein change: p.Asn242Ser; replaces asparagine 242 with serine.
Molecular consequence: missense variant.
Genome position (GRCh38, 1-based): chr6:112,189,199, T>C on the plus strand (A>G on the coding strand, the complement: LAMA4 is on the minus strand). VCF-style: chr6-112189199-T-C. GRCh37 (hg19) VCF-style: chr6-112510401-T-C.
Other names: c.725A>G, p.Asn242Ser (NM_001105207.3, NM_002290.5); short protein forms N242S.
Identifiers: ClinVar variation 4778439 (VCV004778439.1).